The following is an entry in ClinVar:

NM_003041.4(SLC5A2):c.655G>A (p.Ala219Thr)

Gene: SLC5A2 (solute carrier family 5 member 2; plus strand). Cytogenetic location: 16p11.2.
Variant type: single nucleotide variant.
Coding change: c.655G>A on transcript NM_003041.4 (MANE Select); coding-DNA position 655, G replaced by A.
Protein change: p.Ala219Thr; replaces alanine 219 with threonine.
Molecular consequence: missense variant. On other transcripts: non-coding transcript variant (1).
Genome position (GRCh38, 1-based): chr16:31,487,400, G>A. VCF-style: chr16-31487400-G-A. GRCh37 (hg19) VCF-style: chr16-31498721-G-A.
Other names: short protein forms A219T.
Identifiers: ClinVar variation 4857268 (VCV004857268.1).

ClinVar aggregate classification (germline): Likely pathogenic (1 of 4 stars; one submission).

Conditions:
Familial renal glucosuria (GLYS). Also called: RENAL GLUCOSURIA, AUTOSOMAL DOMINANT; Familial renal glycosuria. Identifiers: Orphanet 69076, MedGen C3245525, MONDO:0009297, OMIM 233100.

Submission:

MVZ Medizinische Genetik Mainz
Classification: Likely pathogenic for Familial renal glucosuria. Last evaluated: 2025-07-18. Review status: criteria provided, single submitter. Criteria: UK Practice Guidelines For Variant Classification V4 01 2020. Collection method: clinical testing. Allele origin: germline. Inheritance: Autosomal recessive inheritance. Affected: yes. Observed: 1 variant allele.
Comment: ACMG Criteria: PM3_STR,PM2_SUP,PP3,PP4